The following is an entry in ClinVar:

NM_001101426.4(CRPPA):c.346C>G (p.Arg116Gly)

Gene: CRPPA (CDP-L-ribitol pyrophosphorylase A; minus strand). Cytogenetic location: 7p21.2.
Variant type: single nucleotide variant.
Coding change: c.346C>G on transcript NM_001101426.4 (MANE Select); coding-DNA position 346, C replaced by G.
Protein change: p.Arg116Gly; replaces arginine 116 with glycine.
Molecular consequence: missense variant. On other transcripts: non-coding transcript variant (1).
Genome position (GRCh38, 1-based): chr7:16,406,249, G>C on the plus strand (C>G on the coding strand, the complement: CRPPA is on the minus strand). VCF-style: chr7-16406249-G-C. GRCh37 (hg19) VCF-style: chr7-16445874-G-C.
Other names: c.346C>G, p.Arg116Gly (NM_001101417.4, NM_001368197.1); short protein forms R116G.
Identifiers: ClinVar variation 2083847 (VCV002083847.4), dbSNP rs61744487, ClinGen allele CA4169630.
Genomic context (GRCh38, chr7:16,406,249, plus strand): 5'-CTTTTAGTCCATTGAAAATTGACCTGTGGCGGGTCACTCCAGCTTCGACCAGTGAGATGC[G>C]TTTATGCTGATACTTCTGAATAATACTTTTCATTACTTCCATGTTCTCTCCAGTTACTGC-3'
Protein context (NP_001094896.1, residues 106-126): KSIIQKYQHK[Arg116Gly]ISLVEAGVTR

ClinVar aggregate classification (germline): Uncertain significance (1 of 4 stars; one submission).

Conditions:
Autosomal recessive limb-girdle muscular dystrophy type 2U. Also called: MUSCULAR DYSTROPHY, LIMB-GIRDLE, TYPE 2U; Muscular dystrophy-dystroglycanopathy (limb-girdle), type c, 7. Identifiers: Orphanet 352479, MedGen C5190987, MONDO:0014474, OMIM 616052.
Muscular dystrophy-dystroglycanopathy (congenital with brain and eye anomalies), type A, 7. Also called: WALKER-WARBURG SYNDROME OR MUSCLE-EYE-BRAIN DISEASE, ISPD-RELATED; Congenital muscular dystrophy-dystroglycanopathy with brain and eye anomalies, type A7. Identifiers: Orphanet 899, MedGen C3553330, MONDO:0013835, OMIM 614643.

Submission:

Labcorp Genetics (formerly Invitae), Labcorp
Classification: Uncertain significance for Muscular dystrophy-dystroglycanopathy (congenital with brain and eye anomalies), type A, 7; Autosomal recessive limb-girdle muscular dystrophy type 2U. Last evaluated: 2022-04-18. Review status: criteria provided, single submitter. Criteria: Invitae Variant Classification Sherloc (09022015). Collection method: clinical testing. Allele origin: germline.
Comment: This sequence change replaces arginine, which is basic and polar, with glycine, which is neutral and non-polar, at codon 116 of the ISPD protein (p.Arg116Gly). In summary, the available evidence is currently insufficient to determine the role of this variant in disease. Therefore, it has been classified as a Variant of Uncertain Significance. Algorithms developed to predict the effect of missense changes on protein structure and function output the following: SIFT: "Deleterious"; PolyPhen-2: "Benign"; Align-GVGD: "Class C45". The glycine amino acid residue is found in multiple mammalian species, which suggests that this missense change does not adversely affect protein function. This variant has not been reported in the literature in individuals affected with ISPD-related conditions. This variant is present in population databases (rs61744487, gnomAD 0.003%).